The following is an entry in ClinVar:

NM_005465.7(AKT3):c.959A>G (p.Asp320Gly)

Gene: AKT3 (AKT serine/threonine kinase 3; minus strand). Cytogenetic location: 1q44.
Variant type: single nucleotide variant.
Coding change: c.959A>G on transcript NM_005465.7 (MANE Select); coding-DNA position 959, A replaced by G.
Protein change: p.Asp320Gly; replaces aspartic acid 320 with glycine.
Molecular consequence: missense variant.
Genome position (GRCh38, 1-based): chr1:243,552,933, T>C on the plus strand (A>G on the coding strand, the complement: AKT3 is on the minus strand). VCF-style: chr1-243552933-T-C. GRCh37 (hg19) VCF-style: chr1-243716235-T-C.
Other names: c.959A>G, p.Asp320Gly (NM_001206729.2, NM_001370074.1, NM_181690.2); short protein forms D320G.
Identifiers: ClinVar variation 4845387 (VCV004845387.1).

ClinVar aggregate classification (germline): Uncertain significance (1 of 4 stars; one submission).

Conditions:
Megalencephaly-polymicrogyria-polydactyly-hydrocephalus syndrome 2 (MPPH2). Also called: MEGALENCEPHALY-POLYMICROGYRIA-POLYDACTYLY-HYDROCEPHALUS SYNDROME 2, SOMATIC. Identifiers: Orphanet 83473, MedGen C4014738, MONDO:0014407, OMIM 615937.

Submission:

Institute of Human Genetics, University of Leipzig Medical Center
Classification: Uncertain significance for Megalencephaly-polymicrogyria-polydactyly-hydrocephalus syndrome 2. Last evaluated: 2026-03-10. Review status: criteria provided, single submitter. Criteria: ACMG Guidelines, 2015. Collection method: clinical testing. Allele origin: unknown. Inheritance: Autosomal dominant inheritance. Affected: yes.
Comment: Criteria applied: PM1,PM2_SUP,PP2